The following is an entry in ClinVar:

NM_005751.5(AKAP9):c.6512A>G (p.Glu2171Gly)

Gene: AKAP9 (A-kinase anchoring protein 9; plus strand). Cytogenetic location: 7q21.2.
Variant type: single nucleotide variant.
Coding change: c.6512A>G on transcript NM_005751.5 (MANE Select); coding-DNA position 6512, A replaced by G.
Protein change: p.Glu2171Gly; replaces glutamic acid 2171 with glycine.
Molecular consequence: missense variant.
Genome position (GRCh38, 1-based): chr7:92,070,909, A>G. VCF-style: chr7-92070909-A-G. GRCh37 (hg19) VCF-style: chr7-91700223-A-G.
Other names: c.1157A>G, p.Glu386Gly (NM_001379277.1); c.6488A>G, p.Glu2163Gly (NM_147185.3); short protein forms E2163G, E2171G, E386G.
Identifiers: ClinVar variation 3849413 (VCV003849413.1).

ClinVar aggregate classification (germline): Uncertain significance (1 of 4 stars; one submission).

Conditions:
Cardiovascular phenotype. Identifiers: MedGen CN230736.

gnomAD v4.1: 11 of 1,609,630 alleles (0.00068%); highest among the groups gnomAD compares: Non-Finnish European, 0.00085%; no homozygotes.

Submission:

Ambry Genetics
Classification: Uncertain significance for Cardiovascular phenotype. Last evaluated: 2025-01-16. Review status: criteria provided, single submitter. Criteria: Ambry Variant Classification Scheme 2023. Collection method: clinical testing. Allele origin: germline.
Comment: The p.E2171G variant (also known as c.6512A>G), located in coding exon 28 of the AKAP9 gene, results from an A to G substitution at nucleotide position 6512. The glutamic acid at codon 2171 is replaced by glycine, an amino acid with similar properties. This amino acid position is conserved. In addition, this alteration is predicted to be tolerated by in silico analysis. Based on the available evidence, the clinical significance of this variant remains unclear.